The following is an entry in ClinVar:

ClinVar aggregate classification (germline): Uncertain significance (1 of 4 stars; one submission).

Submission:

Labcorp Genetics (formerly Invitae), Labcorp
Classification: Uncertain significance. Last evaluated: 2023-10-20. Review status: criteria provided, single submitter. Criteria: Invitae Variant Classification Sherloc (09022015). Collection method: clinical testing. Allele origin: germline.
Comment: This sequence change replaces glutamic acid, which is acidic and polar, with valine, which is neutral and non-polar, at codon 223 of the SLC13A3 protein (p.Glu223Val). This variant is not present in population databases (gnomAD no frequency). This variant has not been reported in the literature in individuals affected with SLC13A3-related conditions. ClinVar contains an entry for this variant (Variation ID: 1948296). An algorithm developed to predict the effect of missense changes on protein structure and function (PolyPhen-2) suggests that this variant is likely to be disruptive. In summary, the available evidence is currently insufficient to determine the role of this variant in disease. Therefore, it has been classified as a Variant of Uncertain Significance.

NM_022829.6(SLC13A3):c.668A>T (p.Glu223Val)

Gene: SLC13A3 (solute carrier family 13 member 3; minus strand). Cytogenetic location: 20q13.12.
Variant type: single nucleotide variant.
Coding change: c.668A>T on transcript NM_022829.6 (MANE Select); coding-DNA position 668, A replaced by T.
Protein change: p.Glu223Val; replaces glutamic acid 223 with valine.
Molecular consequence: missense variant.
Genome position (GRCh38, 1-based): chr20:46,596,283, T>A on the plus strand (A>T on the coding strand, the complement: SLC13A3 is on the minus strand). VCF-style: chr20-46596283-T-A. GRCh37 (hg19) VCF-style: chr20-45224922-T-A.
Other names: c.527A>T, p.Glu176Val (NM_001011554.3, NM_001193340.2); c.601A>T, p.Arg201Trp (NM_001193339.2); c.374A>T, p.Glu125Val (NM_001193342.2); short protein forms E176V, R201W, E125V, E223V.
Identifiers: ClinVar variation 1948296 (VCV001948296.3), dbSNP rs1024582682, ClinGen allele CA315734926.